The following is an entry in ClinVar:

NM_032520.5(GNPTG):c.401G>A (p.Arg134Gln)

Gene: GNPTG (N-acetylglucosamine-1-phosphate transferase subunit gamma; plus strand). Cytogenetic location: 16p13.3.
Variant type: single nucleotide variant.
Coding change: c.401G>A on transcript NM_032520.5 (MANE Select); coding-DNA position 401, G replaced by A.
Protein change: p.Arg134Gln; replaces arginine 134 with glutamine.
Molecular consequence: missense variant.
Genome position (GRCh38, 1-based): chr16:1,362,121, G>A. VCF-style: chr16-1362121-G-A. GRCh37 (hg19) VCF-style: chr16-1412122-G-A.
Other names: short protein forms R134Q.
Identifiers: ClinVar variation 2064000 (VCV002064000.1), dbSNP rs1161381887, ClinGen allele CA394187358.

ClinVar aggregate classification (germline): Uncertain significance (1 of 4 stars; one submission).

Allele frequency attached by ClinVar (database versions not stated): gnomAD exomes 0.00001; gnomAD 0.00002; TOPMed 0.00002.

Submission:

Labcorp Genetics (formerly Invitae), Labcorp
Classification: Uncertain significance. Last evaluated: 2022-06-25. Review status: criteria provided, single submitter. Criteria: Invitae Variant Classification Sherloc (09022015). Collection method: clinical testing. Allele origin: germline.
Comment: This sequence change replaces arginine, which is basic and polar, with glutamine, which is neutral and polar, at codon 134 of the GNPTG protein (p.Arg134Gln). The frequency data for this variant in the population databases is considered unreliable, as metrics indicate poor data quality at this position in the gnomAD database. This variant has not been reported in the literature in individuals affected with GNPTG-related conditions. Algorithms developed to predict the effect of missense changes on protein structure and function are either unavailable or do not agree on the potential impact of this missense change (SIFT: "Tolerated"; PolyPhen-2: "Probably Damaging"; Align-GVGD: "Class C0"). In summary, the available evidence is currently insufficient to determine the role of this variant in disease. Therefore, it has been classified as a Variant of Uncertain Significance.